The following is an entry in ClinVar:

NM_002124.4(HLA-DRB1):c.195_196insC (p.Ser66fs)

Gene: HLA-DRB1 (major histocompatibility complex, class II, DR beta 1; minus strand). Cytogenetic location: 6p21.32.
Variant type: Insertion.
Coding change: c.195_196insC on transcript NM_002124.4 (MANE Select); coding-DNA positions 195 to 196, C inserted.
Protein change: p.Ser66fs; shifts the reading frame from serine 66.
Molecular consequence: frameshift variant.
Genome position: GRCh38 VCF-style: chr6-32584283-A-AG. GRCh37 (hg19) VCF-style: chr6-32552060-A-AG.
Other names: short protein forms S66fs.
Identifiers: ClinVar variation 2499005 (VCV002499005.28), dbSNP rs1440748108, ClinGen allele CA566697217.

ClinVar aggregate classification (germline): Benign (1 of 4 stars; one submission).

Allele frequency attached by ClinVar (database versions not stated): gnomAD 0.01035; gnomAD exomes 0.01390.

Submission:

CeGaT Center for Human Genetics Tuebingen
Classification: Benign. Last evaluated: 2024-07-01. Review status: criteria provided, single submitter. Criteria: CeGaT Center For Human Genetics Tuebingen Variant Classification Criteria Version 2. Collection method: clinical testing. Allele origin: germline. Affected: yes. Observed: 4 variant alleles.
Comment: HLA-DRB1: BS1, BS2